The following is an entry in ClinVar:

ClinVar aggregate classification (germline): Likely pathogenic. Review status: criteria provided, single submitter (1 of 4 stars). 2 submissions from 2 submitters: Likely pathogenic (1). 1 of the submissions does not count toward it. Last evaluated 2024-01-03.

Conditions:
Autoinflammation, immune dysregulation, and eosinophilia. Also called: ATOPIC DERMATITIS, ENTERITIS, COLITIS, AND EOSINOPHILIA. Identifiers: MedGen C5436572, MONDO:0033558, OMIM 618999.
Inborn genetic diseases. Identifiers: MedGen C0950123, MeSH D030342.

Submissions (2):

Ambry Genetics
Classification: Likely pathogenic for Inborn genetic diseases. Last evaluated: 2024-01-03. Review status: criteria provided, single submitter. Criteria: Ambry Variant Classification Scheme 2023. Collection method: clinical testing. Allele origin: germline.
Comment: The c.1901C>A (p.A634D) alteration is located in exon 14 (coding exon 13) of the JAK1 gene. This alteration results from a C to A substitution at nucleotide position 1901, causing the alanine (A) at amino acid position 634 to be replaced by an aspartic acid (D). This variant was not reported in population-based cohorts in the Genome Aggregation Database (gnomAD). This variant has been determined to be the result of a de novo mutation one individual with features consistent with JAK1-related autoinflammation, immune dysregulation, and eosinophilia syndrome (Del Bel, 2017). This amino acid position is highly conserved in available vertebrate species. In an assay testing JAK1 function, this variant showed a functionally abnormal result (Springuel, 2014). This alteration is predicted to be deleterious by in silico analysis. Based on the available evidence, this alteration is classified as likely pathogenic.

OMIM
Classification: Pathogenic for AUTOINFLAMMATION, IMMUNE DYSREGULATION, AND EOSINOPHILIA. Last evaluated: 2020-09-01. Review status: no assertion criteria provided. Collection method: literature only. Allele origin: germline. Not counted in ClinVar's aggregate classification.

Literature cited by the submitters: PubMed 25352124 (cited by Ambry Genetics); PubMed 28111307 (cited by Ambry Genetics and OMIM).

NM_002227.4(JAK1):c.1901C>A (p.Ala634Asp)

Genes: JAK1 (Janus kinase 1; minus strand), LOC126805749 (BRD4-independent group 4 enhancer GRCh37_chr1:65312286-65313485; plus strand). Cytogenetic location: 1p31.3.
Variant type: single nucleotide variant.
Coding change: c.1901C>A on transcript NM_002227.4 (MANE Select); coding-DNA position 1901, C replaced by A.
Protein change: p.Ala634Asp; replaces alanine 634 with aspartic acid.
Molecular consequence: missense variant.
Genome position (GRCh38, 1-based): chr1:64,846,735, G>T on the plus strand (C>A on the coding strand, the complement: JAK1 is on the minus strand). VCF-style: chr1-64846735-G-T. GRCh37 (hg19) VCF-style: chr1-65312418-G-T.
Other names: c.1901C>A, p.Ala634Asp (NM_001320923.2, NM_001321852.2, NM_001321853.2 and 3 more transcripts); c.1898C>A, p.Ala633Asp (NM_001321857.2); short protein forms A634D, A633D.
Identifiers: ClinVar variation 225075 (VCV000225075.3), dbSNP rs869312953, ClinGen allele CA358587.